The following is an entry in ClinVar:

ClinVar aggregate classification (germline): Uncertain significance. Review status: criteria provided, multiple submitters, no conflicts (2 of 4 stars). 2 submissions from 2 submitters: Uncertain significance (2). Last evaluated 2025-12-11.

Conditions:
Inborn genetic diseases. Identifiers: MedGen C0950123, MeSH D030342.

Allele frequency attached by ClinVar (database versions not stated): ExAC 0.00003; gnomAD exomes 0.00004; TOPMed 0.00006; ESP Exome Variant Server 0.00008.

Submissions (2):

Ambry Genetics
Classification: Uncertain significance for Inborn genetic diseases. Last evaluated: 2025-12-11. Review status: criteria provided, single submitter. Criteria: Ambry Variant Classification Scheme 2023. Collection method: clinical testing. Allele origin: germline.

Labcorp Genetics (formerly Invitae), Labcorp
Classification: Uncertain significance. Last evaluated: 2022-09-27. Review status: criteria provided, single submitter. Criteria: Invitae Variant Classification Sherloc (09022015). Collection method: clinical testing. Allele origin: germline.
Comment: This sequence change replaces arginine, which is basic and polar, with cysteine, which is neutral and slightly polar, at codon 166 of the TMEM126B protein (p.Arg166Cys). In summary, the available evidence is currently insufficient to determine the role of this variant in disease. Therefore, it has been classified as a Variant of Uncertain Significance. Algorithms developed to predict the effect of missense changes on protein structure and function (SIFT, PolyPhen-2, Align-GVGD) all suggest that this variant is likely to be tolerated. ClinVar contains an entry for this variant (Variation ID: 1419738). This variant has not been reported in the literature in individuals affected with TMEM126B-related conditions. This variant is present in population databases (rs370149497, gnomAD 0.02%).

NM_018480.7(TMEM126B):c.496C>T (p.Arg166Cys)

Gene: TMEM126B (transmembrane protein 126B; plus strand). Cytogenetic location: 11q14.1.
Variant type: single nucleotide variant.
Coding change: c.496C>T on transcript NM_018480.7 (MANE Select); coding-DNA position 496, C replaced by T.
Protein change: p.Arg166Cys; replaces arginine 166 with cysteine.
Molecular consequence: missense variant. On other transcripts: non-coding transcript variant (2).
Genome position (GRCh38, 1-based): chr11:85,635,765, C>T. VCF-style: chr11-85635765-C-T. GRCh37 (hg19) VCF-style: chr11-85346809-C-T.
Other names: c.496C>T (NM_018480.3); c.436C>T, p.Arg146Cys (NM_001193537.3); c.406C>T, p.Arg136Cys (NM_001193538.3, NM_001256546.2); c.358C>T, p.Arg120Cys (NM_001256547.2); c.271C>T, p.Arg91Cys (NM_001350393.1); short protein forms R91C, R136C, R166C, R120C, R146C.
Identifiers: ClinVar variation 1419738 (VCV001419738.6), dbSNP rs370149497, ClinGen allele CA6212524.